The following is an entry in ClinVar:

NM_005219.5(DIAPH1):c.2243C>T (p.Pro748Leu)

Gene: DIAPH1 (diaphanous related formin 1; minus strand). Cytogenetic location: 5q31.3.
Variant type: single nucleotide variant.
Coding change: c.2243C>T on transcript NM_005219.5 (MANE Select); coding-DNA position 2243, C replaced by T.
Protein change: p.Pro748Leu; replaces proline 748 with leucine.
Molecular consequence: missense variant.
Genome position (GRCh38, 1-based): chr5:141,573,607, G>A on the plus strand (C>T on the coding strand, the complement: DIAPH1 is on the minus strand). VCF-style: chr5-141573607-G-A. GRCh37 (hg19) VCF-style: chr5-140953174-G-A.
Other names: c.2216C>T, p.Pro739Leu (NM_001079812.3); c.2243C>T, p.Pro748Leu (NM_001314007.2); short protein forms P739L, P748L.
Identifiers: ClinVar variation 1948752 (VCV001948752.5), dbSNP rs528398613, ClinGen allele CA3479130.

ClinVar aggregate classification (germline): Uncertain significance (1 of 4 stars; one submission).

Conditions:
Autosomal dominant nonsyndromic hearing loss 1. Also called: DEAFNESS, AUTOSOMAL DOMINANT 1, WITH OR WITHOUT THROMBOCYTOPENIA; KONIGSMARK SYNDROME. Identifiers: Orphanet 90635, MedGen C1852282, MONDO:0007424, OMIM 124900.
Progressive microcephaly-seizures-cortical blindness-developmental delay syndrome. Also called: Seizures, cortical blindness, and microcephaly syndrome. Identifiers: Orphanet 477814, MedGen C5567650, MONDO:0014714, OMIM 616632.

Allele frequency attached by ClinVar (database versions not stated): TOPMed below 0.00001; ExAC 0.00001; gnomAD exomes 0.00001; gnomAD 0.00002; 1000 Genomes Project 30x 0.00016; 1000 Genomes Project 0.00020.
gnomAD v4.1: 13 of 1,614,010 alleles (0.00081%); highest among the groups gnomAD compares: South Asian, 0.0022%; no homozygotes.

Submission:

Labcorp Genetics (formerly Invitae), Labcorp
Classification: Uncertain significance for Progressive microcephaly-seizures-cortical blindness-developmental delay syndrome; Autosomal dominant nonsyndromic hearing loss 1. Last evaluated: 2024-10-28. Review status: criteria provided, single submitter. Criteria: Invitae Variant Classification Sherloc (09022015). Collection method: clinical testing. Allele origin: germline.
Comment: This sequence change replaces proline, which is neutral and non-polar, with leucine, which is neutral and non-polar, at codon 748 of the DIAPH1 protein (p.Pro748Leu). This variant is present in population databases (rs528398613, gnomAD 0.003%). This variant has not been reported in the literature in individuals affected with DIAPH1-related conditions. ClinVar contains an entry for this variant (Variation ID: 1948752). Experimental studies and prediction algorithms are not available or were not evaluated, and the functional significance of this variant is currently unknown. In summary, the available evidence is currently insufficient to determine the role of this variant in disease. Therefore, it has been classified as a Variant of Uncertain Significance.